The following is an entry in ClinVar:

NM_000051.4(ATM):c.2093C>T (p.Ser698Leu)

Gene: ATM (ATM serine/threonine kinase; plus strand). Cytogenetic location: 11q22.3.
Variant type: single nucleotide variant.
Coding change: c.2093C>T on transcript NM_000051.4 (MANE Select); coding-DNA position 2093, C replaced by T.
Protein change: p.Ser698Leu; replaces serine 698 with leucine.
Molecular consequence: missense variant.
Genome position (GRCh38, 1-based): chr11:108,254,008, C>T. VCF-style: chr11-108254008-C-T. GRCh37 (hg19) VCF-style: chr11-108124735-C-T.
Other names: c.2093C>T, p.Ser698Leu (NM_001351834.2); short protein forms S698L.
Identifiers: ClinVar variation 1987722 (VCV001987722.4), dbSNP rs2135371158, ClinGen allele CA382537640.
Genomic context (GRCh38, chr11:108,254,008, plus strand): 5'-TTGGCTTCTCTGTCCACCAGAATCTCAAGGAATCACTGGATCGCTGTCTTCTGGGATTAT[C>T]AGAACAGCTTCTGAATAATTACTCATCTGAGGTGAGATTTTTTAAAAAAAGAACTAAGCT-3'
Protein context (NP_000042.3, residues 688-708): ESLDRCLLGL[Ser698Leu]EQLLNNYSSE

ClinVar aggregate classification (germline): Uncertain significance (1 of 4 stars; one submission).

Conditions:
Ataxia-telangiectasia syndrome (AT). Also called: Ataxia telangiectasia (A-T); Cerebello-oculocutaneous telangiectasia; Immunodeficiency with ataxia telangiectasia; Ataxia-telangiectasia, complementation group D; Ataxia-telangiectasia, complementation group E; LOUIS-BAR SYNDROME. Identifiers: Orphanet 100, MedGen C0004135, MONDO:0008840, OMIM 208900.

Allele frequency attached by ClinVar (database versions not stated): gnomAD exomes below 0.00001.
gnomAD v4.1: 1 of 1,613,852 alleles (0.000062%); highest among the groups gnomAD compares: Non-Finnish European, 0.000085%; no homozygotes.

Submission:

Labcorp Genetics (formerly Invitae), Labcorp
Classification: Uncertain significance for Ataxia-telangiectasia syndrome. Last evaluated: 2025-08-31. Review status: criteria provided, single submitter. Criteria: Invitae Variant Classification Sherloc (09022015). Collection method: clinical testing. Allele origin: germline.
Comment: This sequence change replaces serine, which is neutral and polar, with leucine, which is neutral and non-polar, at codon 698 of the ATM protein (p.Ser698Leu). This variant is not present in population databases (gnomAD no frequency). This variant has not been reported in the literature in individuals affected with ATM-related conditions. ClinVar contains an entry for this variant (Variation ID: 1987722). Invitae Evidence Modeling of protein sequence and biophysical properties (such as structural, functional, and spatial information, amino acid conservation, physicochemical variation, residue mobility, and thermodynamic stability) indicates that this missense variant is not expected to disrupt ATM protein function with a negative predictive value of 95%. In summary, the available evidence is currently insufficient to determine the role of this variant in disease. Therefore, it has been classified as a Variant of Uncertain Significance.